The following is an entry in ClinVar:

NM_001130438.3(SPTAN1):c.6762+10C>A

Gene: SPTAN1 (spectrin alpha, non-erythrocytic 1; plus strand). Cytogenetic location: 9q34.11.
Variant type: single nucleotide variant.
Coding change: c.6762+10C>A on transcript NM_001130438.3 (MANE Select); 10 bases into the intron after coding-DNA position 6762, C replaced by A.
Molecular consequence: intron variant.
Genome position (GRCh38, 1-based): chr9:128,630,385, C>A. VCF-style: chr9-128630385-C-A. GRCh37 (hg19) VCF-style: chr9-131392664-C-A.
Other names: c.6825+10C>A (NM_001363759.2); c.6747+10C>A (NM_003127.4); c.6702+10C>A (NM_001363765.2); c.6687+10C>A (NM_001195532.2).
Identifiers: ClinVar variation 139313 (VCV000139313.9), dbSNP rs367706466, ClinGen allele CA293755.

ClinVar aggregate classification (germline): Benign/Likely benign. Review status: criteria provided, multiple submitters, no conflicts (2 of 4 stars). 2 submissions from 2 submitters: Benign (1); Likely benign (1). Last evaluated 2026-01-19.

Conditions:
Early-infantile DEE. Also called: Early infantile epileptic encephalopathy; Ohtahara syndrome; Early infantile epileptic encephalopathy with suppression bursts. Identifiers: Orphanet 1934, MedGen C0393706, MONDO:0800491.

Allele frequency attached by ClinVar (database versions not stated): TOPMed 0.00001; ESP Exome Variant Server 0.00015.
gnomAD v4.1: 24 of 1,611,932 alleles (0.0015%); highest among the groups gnomAD compares: Admixed American, 0.01%; no homozygotes.

Submissions (2):

Labcorp Genetics (formerly Invitae), Labcorp
Classification: Likely benign for Early-infantile DEE. Last evaluated: 2026-01-19. Review status: criteria provided, single submitter. Criteria: Invitae Variant Classification Sherloc (09022015). Collection method: clinical testing. Allele origin: germline.

GeneDx
Classification: Benign. Last evaluated: 2013-08-07. Review status: criteria provided, single submitter. Criteria: GeneDx Variant Classification (06012015). Collection method: clinical testing. Allele origin: germline. Affected: yes.
Comment: This variant is considered likely benign or benign based on one or more of the following criteria: it is a conservative change, it occurs at a poorly conserved position in the protein, it is predicted to be benign by multiple in silico algorithms, and/or has population frequency not consistent with disease.